The following is an entry in ClinVar:

NM_001242957.3(MAK):c.1942C>T (p.Arg648Trp)

Gene: MAK (male germ cell associated kinase; minus strand). Cytogenetic location: 6p24.2.
Variant type: single nucleotide variant.
Coding change: c.1942C>T on transcript NM_001242957.3 (MANE Select); coding-DNA position 1942, C replaced by T.
Protein change: p.Arg648Trp; replaces arginine 648 with tryptophan.
Molecular consequence: missense variant. On other transcripts: non-coding transcript variant (2).
Genome position (GRCh38, 1-based): chr6:10,764,457, G>A on the plus strand (C>T on the coding strand, the complement: MAK is on the minus strand). VCF-style: chr6-10764457-G-A. GRCh37 (hg19) VCF-style: chr6-10764690-G-A.
Other names: c.1747C>T, p.Arg583Trp (NM_001242385.2); c.1645C>T, p.Arg549Trp (NM_001377262.1); c.1867C>T, p.Arg623Trp (NM_005906.6); c.1867C>T (NM_005906.4); short protein forms R549W, R623W, R583W, R648W.
Identifiers: ClinVar variation 1493372 (VCV001493372.4), dbSNP rs375794836, ClinGen allele CA3633304.

ClinVar aggregate classification (germline): Uncertain significance. Review status: criteria provided, multiple submitters, no conflicts (2 of 4 stars). 2 submissions from 2 submitters: Uncertain significance (2). Last evaluated 2025-07-14.

Conditions:
Inborn genetic diseases. Identifiers: MedGen C0950123, MeSH D030342.

Allele frequency attached by ClinVar (database versions not stated): ExAC 0.00003; gnomAD 0.00003; gnomAD exomes 0.00003; TOPMed 0.00003; ESP Exome Variant Server 0.00008.
gnomAD v4.1: 48 of 1,613,686 alleles (0.003%); highest among the groups gnomAD compares: Middle Eastern, 0.017%; no homozygotes.

Submissions (2):

Ambry Genetics
Classification: Uncertain significance for Inborn genetic diseases. Last evaluated: 2025-07-14. Review status: criteria provided, single submitter. Criteria: Ambry Variant Classification Scheme 2023. Collection method: clinical testing. Allele origin: germline.

Labcorp Genetics (formerly Invitae), Labcorp
Classification: Uncertain significance. Last evaluated: 2021-10-19. Review status: criteria provided, single submitter. Criteria: Invitae Variant Classification Sherloc (09022015). Collection method: clinical testing. Allele origin: germline.
Comment: This sequence change replaces arginine with tryptophan at codon 648 of the MAK protein (p.Arg648Trp). The arginine residue is moderately conserved and there is a moderate physicochemical difference between arginine and tryptophan. This variant is present in population databases (rs375794836, ExAC 0.01%). This variant has not been reported in the literature in individuals affected with MAK-related conditions. Experimental studies and prediction algorithms are not available or were not evaluated, and the functional significance of this variant is currently unknown. In summary, the available evidence is currently insufficient to determine the role of this variant in disease. Therefore, it has been classified as a Variant of Uncertain Significance.